The following is an entry in ClinVar:

NM_032608.7(MYO18B):c.6679C>G (p.Pro2227Ala)

Gene: MYO18B (myosin XVIIIB; plus strand). Cytogenetic location: 22q12.1.
Variant type: single nucleotide variant.
Coding change: c.6679C>G on transcript NM_032608.7 (MANE Select); coding-DNA position 6679, C replaced by G.
Protein change: p.Pro2227Ala; replaces proline 2227 with alanine.
Molecular consequence: missense variant.
Genome position (GRCh38, 1-based): chr22:26,026,653, C>G. VCF-style: chr22-26026653-C-G. GRCh37 (hg19) VCF-style: chr22-26422619-C-G.
Other names: c.6682C>G, p.Pro2228Ala (NM_001318245.2); short protein forms P2228A, P2227A.
Identifiers: ClinVar variation 1511288 (VCV001511288.8), dbSNP rs992612467, ClinGen allele CA411010631.

ClinVar aggregate classification (germline): Uncertain significance (1 of 4 stars; one submission).

Submission:

Labcorp Genetics (formerly Invitae), Labcorp
Classification: Uncertain significance. Last evaluated: 2023-05-23. Review status: criteria provided, single submitter. Criteria: Invitae Variant Classification Sherloc (09022015). Collection method: clinical testing. Allele origin: germline.
Comment: In summary, the available evidence is currently insufficient to determine the role of this variant in disease. Therefore, it has been classified as a Variant of Uncertain Significance. An algorithm developed to predict the effect of missense changes on protein structure and function (PolyPhen-2) suggests that this variant is likely to be tolerated. ClinVar contains an entry for this variant (Variation ID: 1511288). This variant has not been reported in the literature in individuals affected with MYO18B-related conditions. This variant is not present in population databases (gnomAD no frequency). This sequence change replaces proline with alanine at codon 2227 of the MYO18B protein (p.Pro2227Ala). The proline residue is weakly conserved and there is a small physicochemical difference between proline and alanine.